The following is an entry in ClinVar:

ClinVar aggregate classification (germline): Uncertain significance (1 of 4 stars; one submission).

Conditions:
Mycobacterium tuberculosis, susceptibility to. Identifiers: MedGen C1834752, OMIM 607948.

gnomAD v4.1: 204 of 1,614,136 alleles (0.013%); highest among the groups gnomAD compares: South Asian, 0.14%; no homozygotes.

Submission:

Diagnostics Services (NGS), CSIR - Centre For Cellular And Molecular Biology
Classification: Uncertain significance for Mycobacterium tuberculosis, susceptibility to. Last evaluated: 2025-07-16. Review status: criteria provided, single submitter. Criteria: ACMG Guidelines, 2015. Collection method: clinical testing. Allele origin: unknown. Affected: yes. Observed: 1 variant allele, 1 heterozygote.
Comment: The c.2242C>T variant is not present in publicly available population databases like EVS. The variant is present in 1000 Genomes, gnomAD, Indian Exome Database and our internal database at low frequencies. This variant has neither been published in the literature for TLR2-related conditions nor reported to clinical databases like Human Genome Mutation database (HGMD), ClinVar or OMIM in any affected individuals. In-silico pathogenicity prediction programs like SIFT, Polyphen-2, MutationTaster2021, CADD, etc predicted this variant to be likely deleterious, however these predictions were not confirmed by published functional studies.

NM_001318789.2(TLR2):c.2242C>T (p.Arg748Cys)

Gene: TLR2 (toll like receptor 2; plus strand). Cytogenetic location: 4q31.3.
Variant type: single nucleotide variant.
Coding change: c.2242C>T on transcript NM_001318789.2 (MANE Select); coding-DNA position 2242, C replaced by T.
Protein change: p.Arg748Cys; replaces arginine 748 with cysteine.
Molecular consequence: missense variant.
Genome position (GRCh38, 1-based): chr4:153,705,149, C>T. VCF-style: chr4-153705149-C-T. GRCh37 (hg19) VCF-style: chr4-154626301-C-T.
Other names: c.2242C>T, p.Arg748Cys (NM_001318787.2, NM_001318790.2, NM_001318791.2 and 4 more transcripts); short protein forms R748C.
Identifiers: ClinVar variation 4070947 (VCV004070947.1).